The following is an entry in ClinVar:

NM_002796.3(PSMB4):c.506A>G (p.Tyr169Cys)

Gene: PSMB4 (proteasome 20S subunit beta 4; plus strand). Cytogenetic location: 1q21.3.
Variant type: single nucleotide variant.
Coding change: c.506A>G on transcript NM_002796.3 (MANE Select); coding-DNA position 506, A replaced by G.
Protein change: p.Tyr169Cys; replaces tyrosine 169 with cysteine.
Molecular consequence: missense variant.
Genome position (GRCh38, 1-based): chr1:151,400,775, A>G. VCF-style: chr1-151400775-A-G. GRCh37 (hg19) VCF-style: chr1-151373251-A-G.
Other names: short protein forms Y169C.
Identifiers: ClinVar variation 4725098 (VCV004725098.1).
Genomic context (GRCh38, chr1:151,400,775, plus strand): 5'-TAAGATGAATCTAAGGTGAAATGAGTTTTGACCCATTGTGTCCTGTTAGCTTCCTCGGTT[A>G]TGTGGACATGCTTGGTGTAGCCTATGAAGCCCCTTCGCTGGCCACTGGTTATGGTGCATA-3'
Protein context (NP_002787.2, residues 159-179): GYADGESFLG[Tyr169Cys]VDMLGVAYEA

ClinVar aggregate classification (germline): Uncertain significance (1 of 4 stars; one submission).

Submission:

Labcorp Genetics (formerly Invitae), Labcorp
Classification: Uncertain significance. Last evaluated: 2025-08-09. Review status: criteria provided, single submitter. Criteria: Invitae Variant Classification Sherloc (09022015). Collection method: clinical testing. Allele origin: germline.
Comment: This sequence change replaces tyrosine, which is neutral and polar, with cysteine, which is neutral and slightly polar, at codon 169 of the PSMB4 protein (p.Tyr169Cys). This variant is not present in population databases (gnomAD no frequency). This variant has not been reported in the literature in individuals affected with PSMB4-related conditions. An algorithm developed to predict the effect of missense changes on protein structure and function (PolyPhen-2) suggests that this variant is likely to be disruptive. In summary, the available evidence is currently insufficient to determine the role of this variant in disease. Therefore, it has been classified as a Variant of Uncertain Significance.